The following is an entry in ClinVar:

NM_001164277.2(SLC37A4):c.956G>T (p.Arg319Leu)

Gene: SLC37A4 (solute carrier family 37 member 4; minus strand). Cytogenetic location: 11q23.3.
Variant type: single nucleotide variant.
Coding change: c.956G>T on transcript NM_001164277.2 (MANE Select); coding-DNA position 956, G replaced by T.
Protein change: p.Arg319Leu; replaces arginine 319 with leucine.
Molecular consequence: missense variant.
Genome position (GRCh38, 1-based): chr11:119,025,995, C>A on the plus strand (G>T on the coding strand, the complement: SLC37A4 is on the minus strand). VCF-style: chr11-119025995-C-A. GRCh37 (hg19) VCF-style: chr11-118896705-C-A.
Other names: c.956G>T, p.Arg319Leu (NM_001164278.2, NM_001164280.2, NM_001467.6); c.737G>T, p.Arg246Leu (NM_001164279.2); short protein forms R319L, R246L.
Identifiers: ClinVar variation 2722187 (VCV002722187.3), dbSNP rs782703235, ClinGen allele CA6311680.
Genomic context (GRCh38, chr11:119,025,995, plus strand): 5'-GCCCTGCCGTGAGCCAGGCCTTTCTTAATTACCTTGGGGGAGTCACTGGTCACTGTTACC[C>A]GGAAGAGGTACATGGACACTGTCATGCCAGCCATCATGAACAGCAACAGGCCATGGCGAG-3'
Protein context (NP_001157749.1, residues 309-329): AGMTVSMYLF[Arg319Leu]VTVTSDSPKL

ClinVar aggregate classification (germline): Uncertain significance (1 of 4 stars; one submission).

Conditions:
Glucose-6-phosphate transport defect (GSD1B). Also called: Glycogen Storage Disease Type Ib; GSD Ib. Identifiers: Orphanet 364, Orphanet 79259, MedGen C0268146, MONDO:0009288, OMIM 232220.

Submission:

Labcorp Genetics (formerly Invitae), Labcorp
Classification: Uncertain significance for Glucose-6-phosphate transport defect. Last evaluated: 2023-11-10. Review status: criteria provided, single submitter. Criteria: Invitae Variant Classification Sherloc (09022015). Collection method: clinical testing. Allele origin: germline.
Comment: This sequence change replaces arginine, which is basic and polar, with leucine, which is neutral and non-polar, at codon 319 of the SLC37A4 protein (p.Arg319Leu). The frequency data for this variant in the population databases is considered unreliable, as metrics indicate poor data quality at this position in the gnomAD database. This variant has not been reported in the literature in individuals affected with SLC37A4-related conditions. Advanced modeling of protein sequence and biophysical properties (such as structural, functional, and spatial information, amino acid conservation, physicochemical variation, residue mobility, and thermodynamic stability) performed at Invitae indicates that this missense variant is not expected to disrupt SLC37A4 protein function with a negative predictive value of 80%. In summary, the available evidence is currently insufficient to determine the role of this variant in disease. Therefore, it has been classified as a Variant of Uncertain Significance.